The following is an entry in ClinVar:

NM_173651.4(FSIP2):c.12168G>A (p.Gln4056=)

Gene: FSIP2 (fibrous sheath interacting protein 2; plus strand). Cytogenetic location: 2q32.1.
Variant type: single nucleotide variant.
Coding change: c.12168G>A on transcript NM_173651.4 (MANE Select); coding-DNA position 12168, G replaced by A.
Protein change: p.Gln4056=; no amino-acid change (glutamine 4056 retained).
Molecular consequence: synonymous variant.
Genome position (GRCh38, 1-based): chr2:185,801,474, G>A. VCF-style: chr2-185801474-G-A. GRCh37 (hg19) VCF-style: chr2-186666201-G-A.
Identifiers: ClinVar variation 2651749 (VCV002651749.24), dbSNP rs763816410, ClinGen allele CA2016991.

ClinVar aggregate classification (germline): Likely benign (1 of 4 stars; one submission).

Allele frequency attached by ClinVar (database versions not stated): TOPMed 0.00011; gnomAD 0.00012; gnomAD exomes 0.00012; ExAC 0.00014; 1000 Genomes Project 30x 0.00016.
gnomAD v4.1: 190 of 1,533,824 alleles (0.012%); highest among the groups gnomAD compares: Admixed American, 0.026%; no homozygotes.

Submission:

CeGaT Center for Human Genetics Tuebingen
Classification: Likely benign. Last evaluated: 2025-12-01. Review status: criteria provided, single submitter. Criteria: CeGaT Center For Human Genetics Tuebingen Variant Classification Criteria Version 2. Collection method: clinical testing. Allele origin: germline. Affected: yes. Observed: 2 variant alleles.
Comment: FSIP2: BP4, BP7